The following is an entry in ClinVar:

NM_000268.4(NF2):c.901A>G (p.Ile301Val)

Gene: NF2 (NF2, moesin-ezrin-radixin like (MERLIN) tumor suppressor; plus strand). Cytogenetic location: 22q12.2.
Variant type: single nucleotide variant.
Coding change: c.901A>G on transcript NM_000268.4 (MANE Select); coding-DNA position 901, A replaced by G.
Protein change: p.Ile301Val; replaces isoleucine 301 with valine.
Molecular consequence: missense variant. On other transcripts: non-coding transcript variant (1), intron variant (1).
Genome position (GRCh38, 1-based): chr22:29,668,348, A>G. VCF-style: chr22-29668348-A-G. GRCh37 (hg19) VCF-style: chr22-30064337-A-G.
Other names: c.787A>G, p.Ile263Val (NM_001407053.1, NM_001407056.1); c.778A>G, p.Ile260Val (NM_001407054.1, NM_001407058.1, NM_181829.3); c.775A>G, p.Ile259Val (NM_001407055.1, NM_181828.3); c.766A>G, p.Ile256Val (NM_001407057.1, NM_001407059.1); c.901A>G, p.Ile301Val (NM_001407060.1, NM_001407066.1, NM_016418.5 and 2 more transcripts); c.643A>G, p.Ile215Val (NM_001407062.1); c.652A>G, p.Ile218Val (NM_001407063.1, NM_001407064.1, NM_181830.3 and 1 more transcripts); c.367A>G, p.Ile123Val (NM_001407065.1); and 2 more; short protein forms I259V, I301V, I123V, I224V, I215V, I256V, I218V, I260V.
Identifiers: ClinVar variation 2562563 (VCV002562563.5), dbSNP rs752879150, ClinGen allele CA035867.

ClinVar aggregate classification (germline): Conflicting classifications of pathogenicity. Review status: criteria provided, conflicting classifications (1 of 4 stars). 3 submissions from 3 submitters: Uncertain significance (2); Likely benign (1). Last evaluated 2024-08-30.

Conditions:
Neurofibromatosis, type 2 (SWNV). Also called: BILATERAL ACOUSTIC NEUROFIBROMATOSIS; SCHWANNOMATOSIS, VESTIBULAR; NF2-Related Schwannomatosis. Identifiers: Orphanet 637, MedGen C0027832, MONDO:0007039, OMIM 101000. Disease mechanism: loss of function.
Hereditary cancer-predisposing syndrome. Also called: Neoplastic Syndromes, Hereditary; Hereditary Cancer Syndrome; Tumor predisposition; Hereditary neoplastic syndrome. Identifiers: Orphanet 140162, MedGen C0027672, MeSH D009386, MONDO:0015356.

Allele frequency attached by ClinVar (database versions not stated): ExAC 0.00002.
gnomAD v4.1: 1 of 1,613,610 alleles (0.000062%); no homozygotes.

Submissions (3):

All of Us Research Program, National Institutes of Health
Classification: Uncertain significance for Neurofibromatosis, type 2. Last evaluated: 2024-08-30. Review status: criteria provided, single submitter. Criteria: ACMG Guidelines, 2015. Collection method: clinical testing. Allele origin: germline. Inheritance: Autosomal dominant inheritance. Observed: 2 variant alleles, 2 heterozygotes.
Comment: This study involves interpretation of variants in research participants for the purpose of population health screening. Participant phenotype was not available at the time of variant classification. Additional details can be found in publication PMID: 35346344, PMCID: PMC8962531

Labcorp Genetics (formerly Invitae), Labcorp
Classification: Uncertain significance for Neurofibromatosis, type 2. Last evaluated: 2024-04-08. Review status: criteria provided, single submitter. Criteria: Invitae Variant Classification Sherloc (09022015). Collection method: clinical testing. Allele origin: germline.
Comment: This sequence change replaces isoleucine, which is neutral and non-polar, with valine, which is neutral and non-polar, at codon 301 of the NF2 protein (p.Ile301Val). This variant is present in population databases (rs752879150, gnomAD 0.002%). This variant has not been reported in the literature in individuals affected with NF2-related conditions. ClinVar contains an entry for this variant (Variation ID: 2562563). Advanced modeling of protein sequence and biophysical properties (such as structural, functional, and spatial information, amino acid conservation, physicochemical variation, residue mobility, and thermodynamic stability) performed at Invitae indicates that this missense variant is not expected to disrupt NF2 protein function with a negative predictive value of 80%. In summary, the available evidence is currently insufficient to determine the role of this variant in disease. Therefore, it has been classified as a Variant of Uncertain Significance.

Ambry Genetics
Classification: Likely benign for Hereditary cancer-predisposing syndrome. Last evaluated: 2023-03-19. Review status: criteria provided, single submitter. Criteria: Ambry Variant Classification Scheme 2023. Collection method: clinical testing. Allele origin: germline.